The following is an entry in ClinVar:

ClinVar aggregate classification (germline): Uncertain significance (1 of 4 stars; one submission).

gnomAD v4.1: 1 of 1,613,868 alleles (0.000062%); no homozygotes.

Submission:

Women's Health and Genetics/Laboratory Corporation of America, LabCorp
Classification: Uncertain significance. Last evaluated: 2024-02-29. Review status: criteria provided, single submitter. Criteria: LabCorp Variant Classification Summary - May 2015. Collection method: clinical testing. Allele origin: germline.
Comment: Variant summary: MME c.1064T>A (p.Leu355His) results in a non-conservative amino acid change located in the Peptidase M13, N-terminal domain (IPR008753) of the encoded protein sequence. Five of five in-silico tools predict a damaging effect of the variant on protein function. The variant was absent in 251328 control chromosomes. The available data on variant occurrences in the general population are insufficient to allow any conclusion about variant significance. To our knowledge, no occurrence of c.1064T>A in individuals affected with Charcot-Marie Disease Axonal Type 2T and no experimental evidence demonstrating its impact on protein function have been reported. No submitters have cited clinical-significance assessments for this variant to ClinVar. Based on the evidence outlined above, the variant was classified as uncertain significance.

NM_007289.4(MME):c.1064T>A (p.Leu355His)

Gene: MME (membrane metalloendopeptidase; plus strand). Cytogenetic location: 3q25.2.
Variant type: single nucleotide variant.
Coding change: c.1064T>A on transcript NM_007289.4 (MANE Select); coding-DNA position 1064, T replaced by A.
Protein change: p.Leu355His; replaces leucine 355 with histidine.
Molecular consequence: missense variant.
Genome position (GRCh38, 1-based): chr3:155,142,097, T>A. VCF-style: chr3-155142097-T-A. GRCh37 (hg19) VCF-style: chr3-154859886-T-A.
Other names: c.1064T>A, p.Leu355His (NM_000902.5, NM_001354642.2, NM_001354643.1 and 2 more transcripts); short protein forms L355H.
Identifiers: ClinVar variation 3069067 (VCV003069067.2), dbSNP rs2473073586, ClinGen allele CA355129953.